The following is an entry in ClinVar:

ClinVar aggregate classification (germline): Uncertain significance. Review status: reviewed by expert panel (3 of 4 stars). 2 submissions from 2 submitters: Uncertain significance (1). 1 of the submissions does not count toward it. Last evaluated 2024-11-13.

Conditions:
Hereditary thrombocytopenia and hematologic cancer predisposition syndrome. Identifiers: Orphanet 71290, MedGen CN281654, MONDO:0011071.
Hereditary thrombocytopenia and hematological cancer predisposition syndrome associated with RUNX1. Also called: Familial Platelet Disorder with Propensity to Acute Myelogenous Leukemia; Familial thrombocytopenia with propensity to acute myelogenous leukemia; RUNX1 Familial Platelet Disorder with Associated Myeloid Malignancies; PLATELET DISORDER, ASPIRIN-LIKE. Identifiers: Orphanet 71290, MedGen C1832388, MeSH C563324, MONDO:0100083, OMIM 601399.

Allele frequency attached by ClinVar (database versions not stated): gnomAD exomes below 0.00001.
gnomAD v4.1: 1 of 1,606,690 alleles (0.000062%); highest among the groups gnomAD compares: Admixed American, 0.0017%; no homozygotes.

Submissions (2):

ClinGen Myeloid Malignancy Variant Curation Expert Panel
Classification: Uncertain significance for Hereditary thrombocytopenia and hematologic cancer predisposition syndrome. Last evaluated: 2024-11-13. Review status: reviewed by expert panel. Criteria: ClinGen MyeloMalig ACMG Specifications v2. Collection method: curation. Allele origin: germline. Inheritance: Autosomal dominant inheritance.
Comment: NM_001754.5(RUNX1):c.1016T>C (p.Leu339Pro) is a missense variant which has a REVEL score < 0.50 (0.387), and a SpliceAI score ≤ 0.20 (0.0) (BP4). In summary, the clinical significance of this variant is uncertain. ACMG/AMP criteria applied, as specified by the Myeloid Malignancy Variant Curation Expert Panel for RUNX1: BP4.

Labcorp Genetics (formerly Invitae), Labcorp
Classification: Uncertain significance for Hereditary thrombocytopenia and hematological cancer predisposition syndrome associated with RUNX1. Last evaluated: 2019-10-28. Review status: criteria provided, single submitter. Criteria: Invitae Variant Classification Sherloc (09022015). Collection method: clinical testing. Allele origin: germline. Not counted in ClinVar's aggregate classification.
Comment: Algorithms developed to predict the effect of missense changes on protein structure and function are either unavailable or do not agree on the potential impact of this missense change (SIFT: "Deleterious"; PolyPhen-2: "Probably Damaging"; Align-GVGD: "Class C0"). This variant has not been reported in the literature in individuals with RUNX1-related conditions. This variant is not present in population databases (ExAC no frequency). This sequence change replaces leucine with proline at codon 339 of the RUNX1 protein (p.Leu339Pro). The leucine residue is highly conserved and there is a moderate physicochemical difference between leucine and proline. In summary, the available evidence is currently insufficient to determine the role of this variant in disease. Therefore, it has been classified as a Variant of Uncertain Significance.

NM_001754.5(RUNX1):c.1016T>C (p.Leu339Pro)

Gene: RUNX1 (RUNX family transcription factor 1; minus strand). Cytogenetic location: 21q22.12.
Variant type: single nucleotide variant.
Coding change: c.1016T>C on transcript NM_001754.5 (MANE Select); coding-DNA position 1016, T replaced by C.
Protein change: p.Leu339Pro; replaces leucine 339 with proline.
Molecular consequence: missense variant.
Genome position (GRCh38, 1-based): chr21:34,792,562, A>G on the plus strand (T>C on the coding strand, the complement: RUNX1 is on the minus strand). VCF-style: chr21-34792562-A-G. GRCh37 (hg19) VCF-style: chr21-36164859-A-G.
Other names: NM_001754.5(RUNX1):c.1016T>C; p.Leu339Pro; c.935T>C, p.Leu312Pro (NM_001001890.3); short protein forms L339P, L312P.
Identifiers: ClinVar variation 964321 (VCV000964321.10), dbSNP rs1197877669, ClinGen allele CA410148586.